The following is an entry in ClinVar:

ClinVar aggregate classification (germline): Uncertain significance (1 of 4 stars; one submission).

Submission:

GeneDx
Classification: Uncertain significance. Last evaluated: 2017-08-10. Review status: criteria provided, single submitter. Criteria: GeneDx Variant Classification (06012015). Collection method: clinical testing. Allele origin: germline. Affected: yes.
Comment: The L379P variant in the MAG gene has not been reported previously as a pathogenic variant, nor as a benign variant, to our knowledge. The L379P variant is not observed in large population cohorts (Lek et al., 2016; 1000 Genomes Consortium et al., 2015; Exome Variant Server). The L379P variant is a semi-conservative amino acid substitution, which may impact secondary protein structure as these residues differ in some properties. This substitution occurs at a position where amino acids with similar properties to Leucine are tolerated across species. In silico analysis predicts this variant is probably damaging to the protein structure/function. We interpret L379P as a variant of uncertain significance.

NM_002361.4(MAG):c.1136T>C (p.Leu379Pro)

Gene: MAG (myelin associated glycoprotein; plus strand). Cytogenetic location: 19q13.12.
Variant type: single nucleotide variant.
Coding change: c.1136T>C on transcript NM_002361.4 (MANE Select); coding-DNA position 1136, T replaced by C.
Protein change: p.Leu379Pro; replaces leucine 379 with proline.
Molecular consequence: missense variant.
Genome position (GRCh38, 1-based): chr19:35,302,613, T>C. VCF-style: chr19-35302613-T-C. GRCh37 (hg19) VCF-style: chr19-35793516-T-C.
Other names: c.1061T>C, p.Leu354Pro (NM_001199216.2); c.1136T>C, p.Leu379Pro (NM_080600.3); short protein forms L379P, L354P.
Identifiers: ClinVar variation 451020 (VCV000451020.1), dbSNP rs1555763987, ClinGen allele CA405313396.